The following is an entry in ClinVar:

NM_001130987.2(DYSF):c.5953_5956del (p.Gln1985fs)

Gene: DYSF (dysferlin; plus strand). Cytogenetic location: 2p13.2.
Variant type: Deletion.
Coding change: c.5953_5956del on transcript NM_001130987.2 (MANE Select); coding-DNA positions 5953 to 5956, 4 bases deleted (CAGC; older notation c.5953_5956delCAGC).
Protein change: p.Gln1985fs; shifts the reading frame from glutamine 1985.
Molecular consequence: frameshift variant.
Genome position (GRCh38, 1-based): chr2:71,679,125-71,679,128, CAGC deleted; deleting any 4 consecutive bases within chr2:71,679,124-71,679,128 gives the same sequence; the c. name uses the placement nearest the transcript's 3' end. VCF-style (leftmost placement, unchanged base first): chr2-71679123-ACCAG-A. GRCh37 (hg19) VCF-style: chr2-71906253-ACCAG-A.
Other names: NM_001130987.2(DYSF):c.5953_5956del; p.Gln1985fs; c.5839_5842del, p.Gln1947fs (NM_001130455.2); c.5794_5797del, p.Gln1932fs (NM_001130976.2); c.5857_5860del, p.Gln1953fs (NM_001130977.2); c.5899_5902del, p.Gln1967fs (NM_001130978.2); c.5929_5932del, p.Gln1977fs (NM_001130979.2); c.5887_5890del, p.Gln1963fs (NM_001130980.2); and 7 more; short protein forms Q1946fs, Q1968fs, Q1977fs, Q1978fs, Q1985fs, Q1947fs, Q1964fs, Q1984fs.
Identifiers: ClinVar variation 94347 (VCV000094347.31), dbSNP rs398123797, ClinGen allele CA222196.

ClinVar aggregate classification (germline): Pathogenic. Review status: reviewed by expert panel (3 of 4 stars). 10 submissions from 10 submitters: Pathogenic (1). 9 of the submissions do not count toward it. Last evaluated 2025-01-08.

Conditions:
DYSF-related disorder. Also called: DYSF-related condition; DYSF-related disorders.
Autosomal recessive limb-girdle muscular dystrophy. Identifiers: Orphanet 102015, MedGen C2931907, MONDO:0015152.
Neuromuscular disease caused by qualitative or quantitative defects of dysferlin. Also called: Qualitative or quantitative defects of dysferlin; Dysferlinopathy. Identifiers: Orphanet 207073, MedGen C2931687, MONDO:0016145.
Autosomal recessive limb-girdle muscular dystrophy type 2B (LGMDR2). Also called: MUSCULAR DYSTROPHY, LIMB-GIRDLE, TYPE 3; Limb-girdle muscular dystrophy, type 2B; Limb-Girdle Muscular Dystrophy Type 2B (LGMD2B); MUSCULAR DYSTROPHY, LIMB-GIRDLE, AUTOSOMAL RECESSIVE 2. Identifiers: Orphanet 268, MedGen C1850889, MONDO:0009676, OMIM 253601.
Miyoshi muscular dystrophy 1 (MMD1). Identifiers: Orphanet 45448, MedGen C4551973, MONDO:0024545, OMIM 254130.

Submissions (10):

ClinGen Limb Girdle Muscular Dystrophy Variant Curation Expert Panel, ClinGen
Classification: Pathogenic for Autosomal recessive limb-girdle muscular dystrophy. Last evaluated: 2025-01-08. Review status: reviewed by expert panel. Criteria: ClinGen LGMD VCEP ACMG Specifications DYSF V1.0.0. Collection method: curation. Allele origin: germline. Inheritance: Autosomal recessive inheritance.
Comment: The NM_003494.4: c.5836_5839del p.(Gln1946TrpfsTer19) variant in DYSF, which is also known as NM_001130987.2: c.5953_5956del p.(Gln1985TrpfsTer19)), is a frameshift variant predicted to cause a premature stop codon in biologically relevant exon 52/55, leading to nonsense mediated decay in a gene in which loss of function is an established disease mechanism (PVS1). This variant has been detected in at least 3 unrelated individuals with limb girdle muscular dystrophy (PMID: 30564623, 19528035), including in unknown phase with a pathogenic variant (c.1852G>C p.(Gly618Arg), 0.5 pt, PMID: 30564623) (PM3_Supporting). At least one patient with this variant displayed progressive limb girdle muscle weakness and absent dysferlin protein expression, which is highly specific for DYSF-associated LGMD (PP4_Strong, PMID: 19528035, 30564623). The variant was also reported to co-segregate with the disease in one affected family member (PMID: 19528035) (PP1). The filtering allele frequency of the variant is 0.000114 for European (non-Finnish) genome alleles in gnomAD v3.1.2 (the upper threshold of the 95% CI of 3/68008), which is greater than the LGMD VCEP threshold (<0.0001) for PM2_Supporting (criterion not met). In summary, this variant meets the criteria to be classified as Pathogenic for autosomal recessive limb girdle muscular dystrophy based on the ACMG/AMP criteria applied, as specified by the ClinGen LGMD VCEP (LGMD VCEP specifications version 1.0.0; 01/08/2025): PVS1, PM3_Supporting, PP4_Strong, PP1.

Labcorp Genetics (formerly Invitae), Labcorp
Classification: Pathogenic for Neuromuscular disease caused by qualitative or quantitative defects of dysferlin. Last evaluated: 2026-01-18. Review status: criteria provided, single submitter. Criteria: Invitae Variant Classification Sherloc (09022015). Collection method: clinical testing. Allele origin: germline. Not counted in ClinVar's aggregate classification.
Comment: This sequence change creates a premature translational stop signal (p.Gln1946Trpfs*19) in the DYSF gene. It is expected to result in an absent or disrupted protein product. Loss-of-function variants in DYSF are known to be pathogenic (PMID: 17698709, 20301480). This variant is present in population databases (rs398123797, gnomAD 0.007%). This premature translational stop signal has been observed in individuals with limb-girdle muscular dystrophy (PMID: 20544924, 23519732). ClinVar contains an entry for this variant (Variation ID: 94347). For these reasons, this variant has been classified as Pathogenic.

Natera, Inc.
Classification: Pathogenic for Limb-girdle muscular dystrophy type 2B. Last evaluated: 2025-12-10. Review status: criteria provided, single submitter. Criteria: Natera Variant Classification Schema (03/2026). Collection method: clinical testing. Allele origin: germline. Not counted in ClinVar's aggregate classification.
Comment: The c.5836_5839delCAGC variant in DYSF is a frameshift variant predicted to shift the reading frame beginning at codon 1946 and leads to a stop codon 19 codons downstream. This variant is expected to result in nonsense mediated decay, truncation, or a dysfunctional protein product. This variant is rare in the general population with a frequency below the threshold expected for the associated phenotype(s). This variant has been observed in one or more individuals affected with the associated recessive disease, as either homozygous or compound heterozygous with a second variant (PMID: 32153140). Given the available evidence, this variant is classified as Pathogenic.

GeneDx
Classification: Pathogenic. Last evaluated: 2025-06-11. Review status: criteria provided, single submitter. Criteria: GeneDx Variant Classification Process June 2021. Collection method: clinical testing. Allele origin: germline. Affected: yes. Not counted in ClinVar's aggregate classification.
Comment: Identified in patients with muscular dystrophy in published literature, including individuals with reduced or absent dystrophin staining on muscle biopsy (PMID: 20544924, 33610434, 23519732, 19528035); Frameshift variant predicted to result in protein truncation or nonsense mediated decay in a gene for which loss of function is a known mechanism of disease; Not observed at a significant frequency in large population cohorts (gnomAD); This variant is associated with the following publications: (PMID: 18276788, 23519732, 18832576, 21816046, 19528035, 33610434, 27535533, 20544924)

Baylor Genetics
Classification: Pathogenic for Miyoshi muscular dystrophy 1. Last evaluated: 2024-02-22. Review status: criteria provided, single submitter. Criteria: ACMG Guidelines, 2015. Collection method: clinical testing. Allele origin: unknown. Not counted in ClinVar's aggregate classification.

Revvity Omics, Revvity
Classification: Pathogenic. Last evaluated: 2021-08-09. Review status: criteria provided, single submitter. Criteria: ACMG Guidelines, 2015. Collection method: clinical testing. Allele origin: germline. Not counted in ClinVar's aggregate classification.

Eurofins Ntd Llc (ga)
Classification: Pathogenic. Last evaluated: 2016-12-22. Review status: criteria provided, single submitter. Criteria: EGL Classification Definitions. Collection method: clinical testing. Allele origin: germline. Observed: 9 variant alleles, 8 heterozygotes, 1 homozygote. Not counted in ClinVar's aggregate classification.

Athena Diagnostics
Classification: Pathogenic for Limb-girdle muscular dystrophy, type 2B. Last evaluated: 2015-05-28. Review status: criteria provided, single submitter. Criteria: Athena Diagnostics Criteria. Collection method: clinical testing. Allele origin: germline. Inheritance: Autosomal recessive inheritance. Not counted in ClinVar's aggregate classification.

PreventionGenetics, part of Exact Sciences
Classification: Pathogenic for DYSF-related condition. Last evaluated: 2023-11-14. Review status: no assertion criteria provided. Collection method: clinical testing. Allele origin: germline. Not counted in ClinVar's aggregate classification.
Comment: The DYSF c.5836_5839delCAGC variant is predicted to result in a frameshift and premature protein termination (p.Gln1946Trpfs*19). This variant was reported in individuals with DYSF-related muscular dystrophy (Rosales et al 2010. PubMed ID: 20544924; Klinge et al 2009. PubMed ID: 19528035; Moore et al 2021. PubMed ID: 33610434; Nilsson et al 2013. PubMed ID: 23519732). This variant is reported in 0.0065% of alleles in individuals of European (Non-Finnish) descent in gnomAD. Frameshift variants in DYSF are expected to be pathogenic. This variant is interpreted as pathogenic.

Counsyl
Classification: Pathogenic for Autosomal recessive limb-girdle muscular dystrophy type 2B. Last evaluated: 2017-07-18. Review status: no assertion criteria provided. Collection method: clinical testing. Allele origin: unknown. Not counted in ClinVar's aggregate classification.

Literature cited by the submitters: PubMed 17698709 (cited by Labcorp Genetics (formerly Invitae), Labcorp); PubMed 20301480 (cited by Labcorp Genetics (formerly Invitae), Labcorp); PubMed 20544924 (cited by Labcorp Genetics (formerly Invitae), Labcorp); PubMed 23519732 (cited by Labcorp Genetics (formerly Invitae), Labcorp); PubMed 32153140 (cited by Natera, Inc.); PubMed 19528035 (cited by Athena Diagnostics); PubMed 27602406 (cited by Counsyl).